The following is an entry in ClinVar:

NM_014415.4(ZBTB11):c.732T>G (p.Ile244Met)

Gene: ZBTB11 (zinc finger and BTB domain containing 11; minus strand). Cytogenetic location: 3q12.3.
Variant type: single nucleotide variant.
Coding change: c.732T>G on transcript NM_014415.4 (MANE Select); coding-DNA position 732, T replaced by G.
Protein change: p.Ile244Met; replaces isoleucine 244 with methionine.
Molecular consequence: missense variant.
Genome position (GRCh38, 1-based): chr3:101,671,176, A>C on the plus strand (T>G on the coding strand, the complement: ZBTB11 is on the minus strand). VCF-style: chr3-101671176-A-C. GRCh37 (hg19) VCF-style: chr3-101390020-A-C.
Other names: short protein forms I244M.
Identifiers: ClinVar variation 5002738 (VCV005002738.1).

ClinVar aggregate classification (germline): Uncertain significance (1 of 4 stars; one submission).

Conditions:
Intellectual developmental disorder, autosomal recessive 69 (NEDMCB). Also called: NEURODEVELOPMENTAL DISORDER WITH PROGRESSIVE MOVEMENT ABNORMALITIES, COGNITIVE DECLINE, AND BRAIN ABNORMALITIES. Identifiers: Orphanet 699835, MedGen C5193067, MONDO:0032715, OMIM 618383.

Submission:

OLLIN Analises Genomicas, OLLIN
Classification: Uncertain significance for Intellectual developmental disorder, autosomal recessive 69. Last evaluated: 2026-08-06. Review status: criteria provided, single submitter. Criteria: ACMG Guidelines 2015 PMID 25741868. Collection method: clinical testing. Allele origin: germline. Inheritance: Autosomal recessive inheritance.
Comment: This missense variant, located in exon 3 (of 11), is absent from gnomAD and ClinVar and has not been identified in the literature. In silico analysis predicts that this variant has a tolerated effect. According to the currently available evidence, this variant has been classified as uncertain significance (PM2_P, BP4_M).